The following is an entry in ClinVar:

ClinVar aggregate classification (germline): Conflicting classifications of pathogenicity. Review status: criteria provided, conflicting classifications (1 of 4 stars). 5 submissions from 5 submitters: Uncertain significance (4); Likely benign (1). Last evaluated 2025-12-03.

Conditions:
Bethlem myopathy 1A. Also called: MYOPATHY, BENIGN CONGENITAL, WITH CONTRACTURES; Bethlem myopathy 1; Bethlem Muscular Dystrophy. Identifiers: Orphanet 610, MedGen CN029274, MONDO:0024530, OMIM 158810.

Allele frequency attached by ClinVar (database versions not stated): gnomAD 0.00001; TOPMed 0.00001; gnomAD exomes 0.00015; ExAC 0.00017; 1000 Genomes Project 0.00020; 1000 Genomes Project 30x 0.00031.
gnomAD v4.1: 124 of 1,611,420 alleles (0.0077%); highest among the groups gnomAD compares: South Asian, 0.11%; 1 homozygote.

Submissions (5):

Labcorp Genetics (formerly Invitae), Labcorp
Classification: Likely benign for Bethlem myopathy 1A. Last evaluated: 2025-12-03. Review status: criteria provided, single submitter. Criteria: Invitae Variant Classification Sherloc (09022015). Collection method: clinical testing. Allele origin: germline.

CeGaT Center for Human Genetics Tuebingen
Classification: Uncertain significance. Last evaluated: 2025-04-01. Review status: criteria provided, single submitter. Criteria: CeGaT Center For Human Genetics Tuebingen Variant Classification Criteria Version 2. Collection method: clinical testing. Allele origin: germline. Affected: yes. Observed: 1 variant allele.
Comment: COL6A2: PM2:Supporting, PM3:Supporting

GeneDx
Classification: Uncertain significance. Last evaluated: 2024-02-26. Review status: criteria provided, single submitter. Criteria: GeneDx Variant Classification Process June 2021. Collection method: clinical testing. Allele origin: germline. Affected: yes.
Comment: In silico analysis supports that this missense variant has a deleterious effect on protein structure/function; Has not been previously published as pathogenic or benign to our knowledge

Revvity Omics, Revvity
Classification: Uncertain significance. Last evaluated: 2019-07-29. Review status: criteria provided, single submitter. Criteria: ACMG Guidelines, 2015. Collection method: clinical testing. Allele origin: germline.

Eurofins Ntd Llc (ga)
Classification: Uncertain significance. Last evaluated: 2018-05-16. Review status: criteria provided, single submitter. Criteria: EGL ClinVar v180209 classification definitions. Collection method: clinical testing. Allele origin: germline. Observed: 1 variant allele, 1 heterozygote.

NM_001849.4(COL6A2):c.623C>T (p.Pro208Leu)

Gene: COL6A2 (collagen type VI alpha 2 chain; plus strand). Cytogenetic location: 21q22.3.
Variant type: single nucleotide variant.
Coding change: c.623C>T on transcript NM_001849.4 (MANE Select); coding-DNA position 623, C replaced by T.
Protein change: p.Pro208Leu; replaces proline 208 with leucine.
Molecular consequence: missense variant.
Genome position (GRCh38, 1-based): chr21:46,112,486, C>T. VCF-style: chr21-46112486-C-T. GRCh37 (hg19) VCF-style: chr21-47532400-C-T.
Other names: c.623C>T, p.Pro208Leu (NM_058174.3, NM_058175.3); short protein forms P208L.
Identifiers: ClinVar variation 580882 (VCV000580882.25), dbSNP rs559666084, ClinGen allele CA10071353.
Genomic context (GRCh38, chr21:46,112,486, plus strand): 5'-TCGCCGTGGCCCCCAACCAGAACCTGAAGGAGCAGGGCCTGCGGGACATCGCCAGCACGC[C>T]GCACGAGCTCTACCGCAACGACTACGCCACCATGCTGCCCGACTCCACCGAGATCGACCA-3'
Protein context (NP_001840.3, residues 198-218): EQGLRDIAST[Pro208Leu]HELYRNDYAT